The following is an entry in ClinVar:

NM_000334.4(SCN4A):c.1943T>C (p.Ile648Thr)

Gene: SCN4A (sodium voltage-gated channel alpha subunit 4; minus strand). Cytogenetic location: 17q23.3.
Variant type: single nucleotide variant.
Coding change: c.1943T>C on transcript NM_000334.4 (MANE Select); coding-DNA position 1943, T replaced by C.
Protein change: p.Ile648Thr; replaces isoleucine 648 with threonine.
Molecular consequence: missense variant.
Genome position (GRCh38, 1-based): chr17:63,959,341, A>G on the plus strand (T>C on the coding strand, the complement: SCN4A is on the minus strand). VCF-style: chr17-63959341-A-G. GRCh37 (hg19) VCF-style: chr17-62036701-A-G.
Other names: short protein forms I648T.
Identifiers: ClinVar variation 2328866 (VCV002328866.4), dbSNP rs1204694543, ClinGen allele CA400631916.

ClinVar aggregate classification (germline): Uncertain significance. Review status: criteria provided, multiple submitters, no conflicts (2 of 4 stars). 2 submissions from 2 submitters: Uncertain significance (2). Last evaluated 2024-09-03.

Conditions:
Hyperkalemic periodic paralysis. Also called: Familial hyperkalemic periodic paralysis; Gamstorp disease. Identifiers: Orphanet 682, MedGen C0238357, MONDO:0008224, OMIM 170500, HP:0007215.
Inborn genetic diseases. Identifiers: MedGen C0950123, MeSH D030342.

Allele frequency attached by ClinVar (database versions not stated): gnomAD 0.00001; gnomAD exomes 0.00001; TOPMed 0.00001.
gnomAD v4.1: 13 of 1,613,868 alleles (0.00081%); highest among the groups gnomAD compares: South Asian, 0.0011%; no homozygotes.

Submissions (2):

Labcorp Genetics (formerly Invitae), Labcorp
Classification: Uncertain significance for Hyperkalemic periodic paralysis. Last evaluated: 2024-09-03. Review status: criteria provided, single submitter. Criteria: Invitae Variant Classification Sherloc (09022015). Collection method: clinical testing. Allele origin: germline.
Comment: This sequence change replaces isoleucine, which is neutral and non-polar, with threonine, which is neutral and polar, at codon 648 of the SCN4A protein (p.Ile648Thr). This variant is present in population databases (no rsID available, gnomAD 0.002%). This variant has not been reported in the literature in individuals affected with SCN4A-related conditions. ClinVar contains an entry for this variant (Variation ID: 2328866). Invitae Evidence Modeling of protein sequence and biophysical properties (such as structural, functional, and spatial information, amino acid conservation, physicochemical variation, residue mobility, and thermodynamic stability) has been performed for this missense variant. However, the output from this modeling did not meet the statistical confidence thresholds required to predict the impact of this variant on SCN4A protein function. In summary, the available evidence is currently insufficient to determine the role of this variant in disease. Therefore, it has been classified as a Variant of Uncertain Significance.

Ambry Genetics
Classification: Uncertain significance for Inborn genetic diseases. Last evaluated: 2022-11-21. Review status: criteria provided, single submitter. Criteria: Ambry Variant Classification Scheme 2023. Collection method: clinical testing. Allele origin: germline.